The following is an entry in ClinVar:

ClinVar aggregate classification (germline): Uncertain significance (1 of 4 stars; one submission).

Conditions:
Usher syndrome type 3B. Also called: USHER SYNDROME, TYPE IIIB. Identifiers: MedGen C3281066, MONDO:0013788, OMIM 614504.

Submission:

Labcorp Genetics (formerly Invitae), Labcorp
Classification: Uncertain significance for Usher syndrome type 3B. Last evaluated: 2021-07-05. Review status: criteria provided, single submitter. Criteria: Invitae Variant Classification Sherloc (09022015). Collection method: clinical testing. Allele origin: germline.
Comment: This sequence change falls in intron 2 of the HARS gene. It does not directly change the encoded amino acid sequence of the HARS protein. It affects a nucleotide within the consensus splice site of the intron. This variant is not present in population databases (ExAC no frequency). This variant has not been reported in the literature in individuals affected with HARS-related conditions. Nucleotide substitutions within the consensus splice site are a relatively common cause of aberrant splicing (PMID: 17576681, 9536098). Algorithms developed to predict the effect of sequence changes on RNA splicing suggest that this variant may disrupt the consensus splice site. In summary, the available evidence is currently insufficient to determine the role of this variant in disease. Therefore, it has been classified as a Variant of Uncertain Significance.

Literature cited by the submitters: PubMed 17576681; PubMed 9536098.

NM_002109.6(HARS1):c.180+4A>T

Gene: HARS1 (histidyl-tRNA synthetase 1; minus strand). Cytogenetic location: 5q31.3.
Variant type: single nucleotide variant.
Coding change: c.180+4A>T on transcript NM_002109.6 (MANE Select); 4 bases into the intron after coding-DNA position 180, A replaced by T.
Molecular consequence: intron variant.
Genome position (GRCh38, 1-based): chr5:140,690,851, T>A on the plus strand (A>T on the coding strand, the complement: HARS1 is on the minus strand). VCF-style: chr5-140690851-T-A. GRCh37 (hg19) VCF-style: chr5-140070436-T-A.
Other names: c.93+4A>T (NM_001289094.2); c.180+4A>T (NM_001289093.2, NM_001258042.3, NM_001258040.3 and 2 more transcripts).
Identifiers: ClinVar variation 1680370 (VCV001680370.6), dbSNP rs2149844902, ClinGen allele CA2573139045.